The following is an entry in ClinVar:

ClinVar aggregate classification (germline): Uncertain significance (1 of 4 stars; one submission).

Conditions:
Focal segmental glomerulosclerosis 1 (FSGS1). Identifiers: Orphanet 656, MedGen C4551527, MONDO:0011303, OMIM 603278.

Submission:

3billion
Classification: Uncertain significance for Focal segmental glomerulosclerosis 1. Last evaluated: 2023-09-18. Review status: criteria provided, single submitter. Criteria: ACMG Guidelines, 2015. Collection method: clinical testing. Allele origin: germline. Affected: yes.
Comment: The variant is not observed in the gnomAD v2.1.1 dataset. Predicted Consequence/Location: Missense changes are a common disease-causing mechanism. In silico tool predictions suggest damaging effect of the variant on gene or gene product [REVEL: 0.98 (>=0.6, sensitivity 0.68 and specificity 0.92); 3Cnet: 0.95 (>=0.6, sensitivity 0.72 and precision 0.9)]. Therefore, this variant is classified as VUS according to the recommendation of ACMG/AMP guideline.

NM_004924.6(ACTN4):c.473T>C (p.Ile158Thr)

Gene: ACTN4 (actinin alpha 4; plus strand). Cytogenetic location: 19q13.2.
Variant type: single nucleotide variant.
Coding change: c.473T>C on transcript NM_004924.6 (MANE Select); coding-DNA position 473, T replaced by C.
Protein change: p.Ile158Thr; replaces isoleucine 158 with threonine.
Molecular consequence: missense variant.
Genome position (GRCh38, 1-based): chr19:38,705,009, T>C. VCF-style: chr19-38705009-T-C. GRCh37 (hg19) VCF-style: chr19-39195649-T-C.
Other names: c.473T>C, p.Ile158Thr (NM_001322033.2, NM_001411143.1); short protein forms I158T.
Identifiers: ClinVar variation 3775464 (VCV003775464.1).